The following is an entry in ClinVar:

ClinVar aggregate classification (germline): Likely pathogenic (1 of 4 stars; one submission).

Conditions:
Menkes kinky-hair syndrome (MNK). Also called: Copper transport disease; Classic Menkes Disease; Menkes Disease. Identifiers: Orphanet 565, MedGen C0022716, MONDO:0010651, OMIM 309400.

Submission:

Myriad Genetics, Inc.
Classification: Likely pathogenic for Menkes kinky-hair syndrome. Last evaluated: 2021-12-30. Review status: criteria provided, single submitter. Criteria: Myriad Autosomal Dominant, Autosomal Recessive and X-Linked Classification Criteria (2023). Collection method: clinical testing. Allele origin: unknown.
Comment: NM_000052.5(ATP7A):c.520A>T(K174*) is expected to be pathogenic in the context of ATP7A-related disorders. This variant is predicted to lead to an abnormal or absent protein product due to the creation of a premature termination codon in ATP7A, a gene where loss-of-function variants are known to be pathogenic. Please note: this variant was assessed in the context of healthy population screening.

NM_000052.7(ATP7A):c.520A>T (p.Lys174Ter)

Gene: ATP7A (ATPase copper transporting alpha; plus strand). Cytogenetic location: Xq21.1.
Variant type: single nucleotide variant.
Coding change: c.520A>T on transcript NM_000052.7 (MANE Select); coding-DNA position 520, A replaced by T.
Protein change: p.Lys174Ter; replaces lysine 174 with a stop codon.
Molecular consequence: nonsense.
Genome position (GRCh38, 1-based): chrX:77,988,641, A>T. VCF-style: chrX-77988641-A-T. GRCh37 (hg19) VCF-style: chrX-77244137-A-T.
Other names: c.520A>T, p.Lys174Ter (NM_001282224.2); short protein forms K174*.
Identifiers: ClinVar variation 1726665 (VCV001726665.3), dbSNP rs797027905, ClinGen allele CA413600193.